The following is an entry in ClinVar:

ClinVar aggregate classification (germline): Uncertain significance. Review status: criteria provided, multiple submitters, no conflicts (2 of 4 stars). 2 submissions from 2 submitters: Uncertain significance (2). Last evaluated 2021-10-11.

Conditions:
Aortic valve disease 1 (AOVD1). Identifiers: MedGen C3887892, MONDO:0024523, OMIM 109730.
Adams-Oliver syndrome 5 (AOS5). Identifiers: Orphanet 974, MedGen C4014970, MONDO:0014459, OMIM 616028.

Allele frequency attached by ClinVar (database versions not stated): gnomAD exomes below 0.00001.
gnomAD v4.1: 1 of 1,612,886 alleles (0.000062%); highest among the groups gnomAD compares: Non-Finnish European, 0.000085%; no homozygotes.

Submissions (2):

Fulgent Genetics
Classification: Uncertain significance for Aortic valve disease 1; Adams-Oliver syndrome 5. Last evaluated: 2021-10-11. Review status: criteria provided, single submitter. Criteria: ACMG Guidelines, 2015. Collection method: clinical testing. Allele origin: unknown.

Labcorp Genetics (formerly Invitae), Labcorp
Classification: Uncertain significance for Adams-Oliver syndrome 5. Last evaluated: 2019-10-23. Review status: criteria provided, single submitter. Criteria: Invitae Variant Classification Sherloc (09022015). Collection method: clinical testing. Allele origin: germline.
Comment: This sequence change replaces threonine with alanine at codon 984 of the NOTCH1 protein (p.Thr984Ala). The threonine residue is highly conserved and there is a small physicochemical difference between threonine and alanine. This variant is not present in population databases (ExAC no frequency). This variant has not been reported in the literature in individuals with NOTCH1-related conditions. Algorithms developed to predict the effect of missense changes on protein structure and function are either unavailable or do not agree on the potential impact of this missense change (SIFT: "Deleterious"; PolyPhen-2: "Benign"; Align-GVGD: "Class C55"). In summary, the available evidence is currently insufficient to determine the role of this variant in disease. Therefore, it has been classified as a Variant of Uncertain Significance.

NM_017617.5(NOTCH1):c.2950A>G (p.Thr984Ala)

Gene: NOTCH1 (notch receptor 1; minus strand). Cytogenetic location: 9q34.3.
Variant type: single nucleotide variant.
Coding change: c.2950A>G on transcript NM_017617.5 (MANE Select); coding-DNA position 2950, A replaced by G.
Protein change: p.Thr984Ala; replaces threonine 984 with alanine.
Molecular consequence: missense variant.
Genome position (GRCh38, 1-based): chr9:136,509,752, T>C on the plus strand (A>G on the coding strand, the complement: NOTCH1 is on the minus strand). VCF-style: chr9-136509752-T-C. GRCh37 (hg19) VCF-style: chr9-139404204-T-C.
Other names: short protein forms T984A.
Identifiers: ClinVar variation 961542 (VCV000961542.10), dbSNP rs1843147969, ClinGen allele CA375553474.